The following is an entry in ClinVar:

ClinVar aggregate classification (germline): Uncertain significance (1 of 4 stars; one submission).

Allele frequency attached by ClinVar (database versions not stated): gnomAD exomes below 0.00001.
gnomAD v4.1: 3 of 1,613,198 alleles (0.00019%); highest among the groups gnomAD compares: Admixed American, 0.0017%; no homozygotes.

Submission:

GeneDx
Classification: Uncertain significance. Last evaluated: 2019-09-26. Review status: criteria provided, single submitter. Criteria: GeneDx Variant Classification Process June 2021. Collection method: clinical testing. Allele origin: germline. Affected: yes.
Comment: Not observed at a significant frequency in large population cohorts (Lek et al., 2016); In silico analysis, which includes protein predictors and evolutionary conservation, supports a deleterious effect; Has not been previously published as pathogenic or benign to our knowledge

NM_005215.4(DCC):c.793G>A (p.Gly265Ser)

Gene: DCC (DCC netrin 1 receptor; plus strand). Cytogenetic location: 18q21.2.
Variant type: single nucleotide variant.
Coding change: c.793G>A on transcript NM_005215.4 (MANE Select); coding-DNA position 793, G replaced by A.
Protein change: p.Gly265Ser; replaces glycine 265 with serine.
Molecular consequence: missense variant.
Genome position (GRCh38, 1-based): chr18:52,923,802, G>A. VCF-style: chr18-52923802-G-A. GRCh37 (hg19) VCF-style: chr18-50450172-G-A.
Other names: short protein forms G265S.
Identifiers: ClinVar variation 1312381 (VCV001312381.2), dbSNP rs1230228712, ClinGen allele CA402514273.